The following is an entry in ClinVar:

ClinVar aggregate classification (germline): Pathogenic. Review status: criteria provided, multiple submitters, no conflicts (2 of 4 stars). 5 submissions from 5 submitters: Pathogenic (4). 1 of the submissions does not count toward it. Last evaluated 2023-10-19.

Conditions:
Hereditary cancer-predisposing syndrome. Also called: Hereditary Cancer Syndrome; Hereditary neoplastic syndrome; Neoplastic Syndromes, Hereditary; Tumor predisposition. Identifiers: Orphanet 140162, MedGen C0027672, MeSH D009386, MONDO:0015356.
Familial multiple polyposis syndrome (FAP). Also called: Familial intestinal polyposis; Classic familial adenomatous polyposis; Familial adenomatous polyposis; Familial Adenomatous Polyposis (FAP); Familial polyposis. Identifiers: Orphanet 733, MedGen C0032580, MONDO:0021055. Disease mechanism: loss of function.
Familial adenomatous polyposis 1 (FAP1). Also called: FAMILIAL ADENOMATOUS POLYPOSIS 1, ATTENUATED; POLYPOSIS, ADENOMATOUS INTESTINAL. Identifiers: MedGen C2713442, MONDO:0021056, OMIM 175100. Disease mechanism: loss of function.

Submissions (5):

Women's Health and Genetics/Laboratory Corporation of America, LabCorp
Classification: Pathogenic for Familial multiple polyposis syndrome. Last evaluated: 2023-10-19. Review status: criteria provided, single submitter. Criteria: LabCorp Variant Classification Summary - May 2015. Collection method: clinical testing. Allele origin: germline.
Comment: Variant summary: APC c.4495G>T (p.Gly1499X) results in a premature termination codon, predicted to cause a truncation of the encoded protein, which is a commonly known mechanism for disease. Variants downstream of this position, such as c.5582_5585delCTTT(p.Ser1861X), have been classified as pathogenic by our laboratory. The variant was absent in 250260 control chromosomes. To our knowledge, no occurrence of c.4495G>T in individuals affected with Familial Adenomatous Polyposis and no experimental evidence demonstrating its impact on protein function have been reported. One submitter has cited clinical-significance assessments for this variant to ClinVar after 2014 and has classified the variant as pathogenic. Based on the evidence outlined above, the variant was classified as pathogenic.

Ambry Genetics
Classification: Pathogenic for Hereditary cancer-predisposing syndrome. Last evaluated: 2023-07-28. Review status: criteria provided, single submitter. Criteria: Ambry Variant Classification Scheme 2023. Collection method: clinical testing. Allele origin: germline.
Comment: The p.G1499* pathogenic mutation (also known as c.4495G>T), located in coding exon 15 of the APC gene, results from a G to T substitution at nucleotide position 4495. This changes the amino acid from a glycine to a stop codon within coding exon 15. This alteration occurs at the 3' terminus of theAPC gene, is not expected to trigger nonsense-mediated mRNA decay, and impacts the last 1345 amino acids of the protein. However, premature stop codons are typically deleterious in nature and the impacted region is critical for protein function and a significant portion of the protein is affected (Ambry internal data). This alteration has been observed in at least one individual with a personal and/or family history that is consistent with APC-related disease (Ambry internal data). This variant is considered to be rare based on population cohorts in the Genome Aggregation Database (gnomAD). Based on the supporting evidence, this alteration is interpreted as a disease-causing mutation.

Myriad Genetics, Inc.
Classification: Pathogenic for Familial adenomatous polyposis 1. Last evaluated: 2023-05-11. Review status: criteria provided, single submitter. Criteria: Myriad Autosomal Dominant, Autosomal Recessive and X-Linked Classification Criteria (2023). Collection method: clinical testing. Allele origin: unknown.
Comment: This variant is considered pathogenic. This variant creates a termination codon and is predicted to result in premature protein truncation.

Labcorp Genetics (formerly Invitae), Labcorp
Classification: Pathogenic for Familial adenomatous polyposis 1. Last evaluated: 2021-07-28. Review status: criteria provided, single submitter. Criteria: Invitae Variant Classification Sherloc (09022015). Collection method: clinical testing. Allele origin: germline.
Comment: This variant has not been reported in the literature in individuals affected with APC-related conditions. This variant is expected to disrupt the EB1 and HDLG binding sites, which mediate interactions with the cytoskeleton (PMID: 15311282, 17293347). While functional studies have not been performed to directly test the effect on APC protein function, this suggests that disruption of the C-terminal portion of the protein is functionally important. For these reasons, this variant has been classified as Pathogenic. A different truncation (p.Tyr2645Lysfs*14) that lies downstream of this variant has been determined to be pathogenic (PMID: 9824584, 1316610, 27081525, 8381579, 22135120, Invitae). This suggests that deletion of this region of the APC protein is causative of disease. ClinVar contains an entry for this variant (Variation ID: 217983). This variant is not present in population databases (ExAC no frequency). This sequence change creates a premature translational stop signal (p.Gly1499*) in the APC gene. While this is not anticipated to result in nonsense mediated decay, it is expected to disrupt the last 1345 amino acid(s) of the APC protein.

Mayo Clinic Laboratories, Mayo Clinic
Classification: Likely pathogenic. Review status: no assertion criteria provided. Collection method: research. Allele origin: unknown. Observed: 2 variant alleles. Not counted in ClinVar's aggregate classification.

Literature cited by the submitters: PubMed 15311282 (cited by Labcorp Genetics (formerly Invitae), Labcorp); PubMed 17293347 (cited by Labcorp Genetics (formerly Invitae), Labcorp); PubMed 9824584 (cited by Labcorp Genetics (formerly Invitae), Labcorp); PubMed 1316610 (cited by Labcorp Genetics (formerly Invitae), Labcorp); PubMed 27081525 (cited by Labcorp Genetics (formerly Invitae), Labcorp); PubMed 8381579 (cited by Labcorp Genetics (formerly Invitae), Labcorp); PubMed 22135120 (cited by Labcorp Genetics (formerly Invitae), Labcorp).

NM_000038.6(APC):c.4495G>T (p.Gly1499Ter)

Gene: APC (APC regulator of Wnt signaling pathway; plus strand). Cytogenetic location: 5q22.2.
Variant type: single nucleotide variant.
Coding change: c.4495G>T on transcript NM_000038.6 (MANE Select); coding-DNA position 4495, G replaced by T.
Protein change: p.Gly1499Ter; replaces glycine 1499 with a stop codon.
Molecular consequence: nonsense.
Genome position (GRCh38, 1-based): chr5:112,840,089, G>T. VCF-style: chr5-112840089-G-T. GRCh37 (hg19) VCF-style: chr5-112175786-G-T.
Other names: c.4495G>T, p.Gly1499Ter (NM_001127510.3, NM_001354895.2); c.4441G>T, p.Gly1481Ter (NM_001127511.3); c.4549G>T, p.Gly1517Ter (NM_001354896.2); c.4525G>T, p.Gly1509Ter (NM_001354897.2); c.4420G>T, p.Gly1474Ter (NM_001354898.2); c.4411G>T, p.Gly1471Ter (NM_001354899.2); c.4372G>T, p.Gly1458Ter (NM_001354900.2); c.4318G>T, p.Gly1440Ter (NM_001354901.2); and 5 more; short protein forms G1481*, G1499*, G1440*, G1474*, G1509*, G1216*, G1398*, G1517*.
Identifiers: ClinVar variation 217983 (VCV000217983.14), dbSNP rs756912930, ClinGen allele CA248507.